The following is an entry in ClinVar:

NM_054012.4(ASS1):c.199G>T (p.Glu67Ter)

Gene: ASS1 (argininosuccinate synthase 1; plus strand). Cytogenetic location: 9q34.11.
Variant type: single nucleotide variant.
Coding change: c.199G>T on transcript NM_054012.4 (MANE Select); coding-DNA position 199, G replaced by T.
Protein change: p.Glu67Ter; replaces glutamic acid 67 with a stop codon.
Molecular consequence: nonsense.
Genome position (GRCh38, 1-based): chr9:130,458,425, G>T. VCF-style: chr9-130458425-G-T. GRCh37 (hg19) VCF-style: chr9-133333812-G-T.
Other names: c.199G>T, p.Glu67Ter (NM_000050.4); short protein forms E67*.
Identifiers: ClinVar variation 2821653 (VCV002821653.3), dbSNP rs1257036291, ClinGen allele CA375224882.

ClinVar aggregate classification (germline): Pathogenic (1 of 4 stars; one submission).

Conditions:
Citrullinemia. Identifiers: Orphanet 187, MedGen C0175683, MONDO:0015991.

Submission:

Labcorp Genetics (formerly Invitae), Labcorp
Classification: Pathogenic for Citrullinemia. Last evaluated: 2023-11-27. Review status: criteria provided, single submitter. Criteria: Invitae Variant Classification Sherloc (09022015). Collection method: clinical testing. Allele origin: germline.
Comment: This sequence change creates a premature translational stop signal (p.Glu67*) in the ASS1 gene. It is expected to result in an absent or disrupted protein product. Loss-of-function variants in ASS1 are known to be pathogenic (PMID: 18473344, 19006241). This variant is not present in population databases (gnomAD no frequency). This variant has not been reported in the literature in individuals affected with ASS1-related conditions. For these reasons, this variant has been classified as Pathogenic.

Literature cited by the submitters: PubMed 18473344; PubMed 19006241.